The following is an entry in ClinVar:

ClinVar aggregate classification (germline): Uncertain significance (1 of 4 stars; one submission).

Conditions:
Inborn genetic diseases. Identifiers: MedGen C0950123, MeSH D030342.

Submission:

Ambry Genetics
Classification: Uncertain significance for Inborn genetic diseases. Last evaluated: 2026-07-01. Review status: criteria provided, single submitter. Criteria: Ambry Variant Classification Scheme 2023. Collection method: clinical testing. Allele origin: germline.
Comment: The p.A1205V variant (also known as c.3614C>T), located in coding exon 17 of the ATP7B gene, results from a C to T substitution at nucleotide position 3614. The alanine at codon 1205 is replaced by valine, an amino acid with similar properties. This amino acid position is conserved. In addition, this alteration is predicted to be deleterious by in silico analysis. Based on the available evidence, the clinical significance of this variant remains unclear.

NM_000053.4(ATP7B):c.3614C>T (p.Ala1205Val)

Gene: ATP7B (ATPase copper transporting beta; minus strand). Cytogenetic location: 13q14.3.
Variant type: single nucleotide variant.
Coding change: c.3614C>T on transcript NM_000053.4 (MANE Select); coding-DNA position 3614, C replaced by T.
Protein change: p.Ala1205Val; replaces alanine 1205 with valine.
Molecular consequence: missense variant.
Genome position (GRCh38, 1-based): chr13:51,939,136, G>A on the plus strand (C>T on the coding strand, the complement: ATP7B is on the minus strand). VCF-style: chr13-51939136-G-A. GRCh37 (hg19) VCF-style: chr13-52513272-G-A.
Other names: c.3518C>T, p.Ala1173Val (NM_001406518.1, NM_001406517.1); c.3479C>T, p.Ala1160Val (NM_001406519.1); c.3470C>T, p.Ala1157Val (NM_001406520.1, NM_001406521.1, NM_001406522.1); c.3431C>T, p.Ala1144Val (NM_001406523.1); c.3437C>T, p.Ala1146Val (NM_001406524.1); c.3419C>T, p.Ala1140Val (NM_001406525.1); c.3614C>T, p.Ala1205Val (NM_001406526.1, NM_001406511.1, NM_001406512.1); c.3380C>T, p.Ala1127Val (NM_001406527.1, NM_001406528.1, NM_001330578.2); and 20 more; short protein forms A1121V, A1157V, A1203V, A1011V, A1043V, A1062V, A1125V, A1146V.
Identifiers: ClinVar variation 5032374 (VCV005032374.1).